The following is an entry in ClinVar:

ClinVar aggregate classification (germline): Uncertain significance. Review status: criteria provided, multiple submitters, no conflicts (2 of 4 stars). 2 submissions from 2 submitters: Uncertain significance (2). Last evaluated 2024-11-13.

Conditions:
Cardiovascular phenotype. Identifiers: MedGen CN230736.
Catecholaminergic polymorphic ventricular tachycardia 1. Also called: VENTRICULAR TACHYCARDIA, STRESS-INDUCED POLYMORPHIC 1; VENTRICULAR TACHYCARDIA, CATECHOLAMINERGIC POLYMORPHIC, 1, WITH OR WITHOUT ATRIAL DYSFUNCTION AND/OR DILATED CARDIOMYOPATHY; RYR2-Related Catecholaminergic Polymorphic Ventricular Tachycardia. Identifiers: Orphanet 3286, MedGen C1631597, MONDO:0011484, OMIM 604772.

Submissions (2):

Ambry Genetics
Classification: Uncertain significance for Cardiovascular phenotype. Last evaluated: 2024-11-13. Review status: criteria provided, single submitter. Criteria: Ambry Variant Classification Scheme 2023. Collection method: clinical testing. Allele origin: germline.
Comment: The p.W713* variant (also known as c.2139G>A), located in coding exon 20 of the RYR2 gene, results from a G to A substitution at nucleotide position 2139. This changes the amino acid from a tryptophan to a stop codon within coding exon 20. This alteration is expected to result in protein truncation or nonsense-mediated mRNA decay. However, loss of function of RYR2 has not been established as a mechanism of disease. Based on the available evidence, the clinical significance of this alteration remains unclear.

HudsonAlpha Institute for Biotechnology
Classification: Uncertain significance for Catecholaminergic polymorphic ventricular tachycardia 1. Last evaluated: 2021-09-02. Review status: criteria provided, single submitter. Criteria: ACMG Guidelines, 2015. Collection method: research. Allele origin: maternal. Observed: 1 variant allele. Study: HudsonAlpha-AGHI-WGS.
Comment: ACMG codes: PM2

NM_001035.3(RYR2):c.2139G>A (p.Trp713Ter)

Gene: RYR2 (ryanodine receptor 2; plus strand). Cytogenetic location: 1q43.
Variant type: single nucleotide variant.
Coding change: c.2139G>A on transcript NM_001035.3 (MANE Select); coding-DNA position 2139, G replaced by A.
Protein change: p.Trp713Ter; replaces tryptophan 713 with a stop codon.
Molecular consequence: nonsense.
Genome position (GRCh38, 1-based): chr1:237,496,688, G>A. VCF-style: chr1-237496688-G-A. GRCh37 (hg19) VCF-style: chr1-237659988-G-A.
Other names: c.2139G>A (NM_001035.2); short protein forms W713*.
Identifiers: ClinVar variation 1684527 (VCV001684527.2), dbSNP rs2150449007, ClinGen allele CA345392103.